The following is an entry in ClinVar:

ClinVar aggregate classification (germline): Uncertain significance (1 of 4 stars; one submission).

Submission:

GeneDx
Classification: Uncertain significance. Last evaluated: 2017-09-14. Review status: criteria provided, single submitter. Criteria: GeneDx Variant Classification (06012015). Collection method: clinical testing. Allele origin: germline. Affected: yes.
Comment: The K156N variant in the CCM2 gene has not been reported previously as a pathogenic variant, nor as a benign variant, to our knowledge. The K156N variant is not observed in large population cohorts (Lek et al., 2016; 1000 Genomes Consortium et al., 2015; Exome Variant Server). The K156N variant is a semi-conservative amino acid substitution, which occurs at a position that is conserved across species. In silico analysis predicts this variant is probably damaging to the protein structure/function. We interpret K156N as a variant of uncertain significance.

NM_031443.4(CCM2):c.468G>C (p.Lys156Asn)

Gene: CCM2 (CCM2 scaffold protein; plus strand). Cytogenetic location: 7p13.
Variant type: single nucleotide variant.
Coding change: c.468G>C on transcript NM_031443.4 (MANE Select); coding-DNA position 468, G replaced by C.
Protein change: p.Lys156Asn; replaces lysine 156 with asparagine.
Molecular consequence: missense variant. On other transcripts: non-coding transcript variant (1).
Genome position (GRCh38, 1-based): chr7:45,064,642, G>C. VCF-style: chr7-45064642-G-C. GRCh37 (hg19) VCF-style: chr7-45104241-G-C.
Other names: c.531G>C, p.Lys177Asn (NM_001029835.2); c.294G>C, p.Lys98Asn (NM_001167934.2, NM_001363459.2); c.468G>C, p.Lys156Asn (NM_001167935.2, NM_001363458.2); short protein forms K156N, K177N, K98N.
Identifiers: ClinVar variation 451892 (VCV000451892.2), dbSNP rs1554375495, ClinGen allele CA367430175.